The following is an entry in ClinVar:

NM_003737.4(DCHS1):c.9790C>T (p.Arg3264Cys)

Gene: DCHS1 (dachsous cadherin-related 1; minus strand). Cytogenetic location: 11p15.4.
Variant type: single nucleotide variant.
Coding change: c.9790C>T on transcript NM_003737.4 (MANE Select); coding-DNA position 9790, C replaced by T.
Protein change: p.Arg3264Cys; replaces arginine 3264 with cysteine.
Molecular consequence: missense variant.
Genome position (GRCh38, 1-based): chr11:6,621,886, G>A on the plus strand (C>T on the coding strand, the complement: DCHS1 is on the minus strand). VCF-style: chr11-6621886-G-A. GRCh37 (hg19) VCF-style: chr11-6643117-G-A.
Other names: c.9790C>T (NM_003737.3, NM_003737.2); short protein forms R3264C.
Identifiers: ClinVar variation 2192581 (VCV002192581.9), dbSNP rs200963531, ClinGen allele CA5859180.

ClinVar aggregate classification (germline): Uncertain significance. Review status: criteria provided, multiple submitters, no conflicts (2 of 4 stars). 4 submissions from 4 submitters: Uncertain significance (4). Last evaluated 2026-03-19.

Conditions:
Inborn genetic diseases. Identifiers: MedGen C0950123, MeSH D030342.

Allele frequency attached by ClinVar (database versions not stated): ExAC 0.00003; gnomAD exomes 0.00003; TOPMed 0.00004; gnomAD 0.00005; 1000 Genomes Project 30x 0.00016; 1000 Genomes Project 0.00020.
gnomAD v4.1: 52 of 1,612,384 alleles (0.0032%); highest among the groups gnomAD compares: Middle Eastern, 0.033%; no homozygotes.

Submissions (4):

GeneDx
Classification: Uncertain significance. Last evaluated: 2026-03-19. Review status: criteria provided, single submitter. Criteria: GeneDx Variant Classification Process June 2021. Collection method: clinical testing. Allele origin: germline.
Comment: In silico analysis supports that this missense variant has a deleterious effect on protein structure/function; Has not been previously published as pathogenic or benign to our knowledge

Women's Health and Genetics/Laboratory Corporation of America, LabCorp
Classification: Uncertain significance. Last evaluated: 2025-11-14. Review status: criteria provided, single submitter. Criteria: LabCorp Variant Classification Summary - May 2015. Collection method: clinical testing. Allele origin: germline.
Comment: Variant summary: DCHS1 c.9790C>T (p.Arg3264Cys) results in a non-conservative amino acid change in the encoded protein sequence. Algorithms developed to predict the effect of missense changes on protein structure and function are either unavailable or do not agree on the potential impact of this missense change. The variant allele was found at a frequency of 4.5e-05 in 246692 control chromosomes. This frequency is not significantly higher than estimated for disease-causing variants in DCHS1, allowing no conclusion about variant significance. To our knowledge, no occurrence of c.9790C>T in individuals affected with DCHS1-related conditions and no experimental evidence demonstrating its impact on protein function have been reported. ClinVar contains an entry for this variant (Variation ID: 2192581). Based on the evidence outlined above, the variant was classified as uncertain significance.

Labcorp Genetics (formerly Invitae), Labcorp
Classification: Uncertain significance. Last evaluated: 2025-10-26. Review status: criteria provided, single submitter. Criteria: Invitae Variant Classification Sherloc (09022015). Collection method: clinical testing. Allele origin: germline.
Comment: This sequence change replaces arginine, which is basic and polar, with cysteine, which is neutral and slightly polar, at codon 3264 of the DCHS1 protein (p.Arg3264Cys). This variant is present in population databases (rs200963531, gnomAD 0.01%). This variant has not been reported in the literature in individuals affected with DCHS1-related conditions. ClinVar contains an entry for this variant (Variation ID: 2192581). Invitae Evidence Modeling of protein sequence and biophysical properties (such as structural, functional, and spatial information, amino acid conservation, physicochemical variation, residue mobility, and thermodynamic stability) indicates that this missense variant is not expected to disrupt DCHS1 protein function with a negative predictive value of 95%. In summary, the available evidence is currently insufficient to determine the role of this variant in disease. Therefore, it has been classified as a Variant of Uncertain Significance.

Ambry Genetics
Classification: Uncertain significance for Inborn genetic diseases. Last evaluated: 2023-04-20. Review status: criteria provided, single submitter. Criteria: Ambry Variant Classification Scheme 2023. Collection method: clinical testing. Allele origin: germline.